The following is an entry in ClinVar:

NM_000038.6(APC):c.3623C>T (p.Thr1208Ile)

Gene: APC (APC regulator of Wnt signaling pathway; plus strand). Cytogenetic location: 5q22.2.
Variant type: single nucleotide variant.
Coding change: c.3623C>T on transcript NM_000038.6 (MANE Select); coding-DNA position 3623, C replaced by T.
Protein change: p.Thr1208Ile; replaces threonine 1208 with isoleucine.
Molecular consequence: missense variant.
Genome position (GRCh38, 1-based): chr5:112,839,217, C>T. VCF-style: chr5-112839217-C-T. GRCh37 (hg19) VCF-style: chr5-112174914-C-T.
Other names: c.3623C>T, p.Thr1208Ile (NM_001127510.3, NM_001354895.2); c.3569C>T, p.Thr1190Ile (NM_001127511.3); c.3677C>T, p.Thr1226Ile (NM_001354896.2); c.3653C>T, p.Thr1218Ile (NM_001354897.2); c.3548C>T, p.Thr1183Ile (NM_001354898.2); c.3539C>T, p.Thr1180Ile (NM_001354899.2); c.3500C>T, p.Thr1167Ile (NM_001354900.2); c.3446C>T, p.Thr1149Ile (NM_001354901.2); and 5 more; short protein forms T1190I, T1208I, T1048I, T1226I, T925I, T1082I, T1218I, T1149I.
Identifiers: ClinVar variation 438877 (VCV000438877.25), dbSNP rs752590375, ClinGen allele CA035919.

ClinVar aggregate classification (germline): Uncertain significance. Review status: criteria provided, multiple submitters, no conflicts (2 of 4 stars). 6 submissions from 6 submitters: Uncertain significance (6). Last evaluated 2025-06-10.

Conditions:
Hereditary cancer-predisposing syndrome. Also called: Hereditary neoplastic syndrome; Hereditary Cancer Syndrome; Tumor predisposition; Neoplastic Syndromes, Hereditary. Identifiers: Orphanet 140162, MedGen C0027672, MeSH D009386, MONDO:0015356.
Classic or attenuated familial adenomatous polyposis. Identifiers: MedGen CN372698, MONDO:0021057.
Familial adenomatous polyposis 1 (FAP1). Also called: POLYPOSIS, ADENOMATOUS INTESTINAL; FAMILIAL ADENOMATOUS POLYPOSIS 1, ATTENUATED. Identifiers: MedGen C2713442, MONDO:0021056, OMIM 175100. Disease mechanism: loss of function.

Allele frequency attached by ClinVar (database versions not stated): gnomAD exomes below 0.00001 and 0.00001; TOPMed below 0.00001; ExAC 0.00001; gnomAD 0.00001.
gnomAD v4.1: 14 of 1,614,008 alleles (0.00087%); highest among the groups gnomAD compares: Non-Finnish European, 0.0012%; no homozygotes.

Submissions (6):

Labcorp Genetics (formerly Invitae), Labcorp
Classification: Uncertain significance for Familial adenomatous polyposis 1. Last evaluated: 2025-06-10. Review status: criteria provided, single submitter. Criteria: Invitae Variant Classification Sherloc (09022015). Collection method: clinical testing. Allele origin: germline.
Comment: This sequence change replaces threonine, which is neutral and polar, with isoleucine, which is neutral and non-polar, at codon 1208 of the APC protein (p.Thr1208Ile). This variant is present in population databases (rs752590375, gnomAD 0.0009%). This variant has not been reported in the literature in individuals affected with APC-related conditions. ClinVar contains an entry for this variant (Variation ID: 438877). Invitae Evidence Modeling of protein sequence and biophysical properties (such as structural, functional, and spatial information, amino acid conservation, physicochemical variation, residue mobility, and thermodynamic stability) indicates that this missense variant is not expected to disrupt APC protein function with a negative predictive value of 95%. In summary, the available evidence is currently insufficient to determine the role of this variant in disease. Therefore, it has been classified as a Variant of Uncertain Significance.

Ambry Genetics
Classification: Uncertain significance for Hereditary cancer-predisposing syndrome. Last evaluated: 2025-06-03. Review status: criteria provided, single submitter. Criteria: Ambry Variant Classification Scheme 2023. Collection method: clinical testing. Allele origin: germline.
Comment: The p.T1208I variant (also known as c.3623C>T), located in coding exon 15 of the APC gene, results from a C to T substitution at nucleotide position 3623. The threonine at codon 1208 is replaced by isoleucine, an amino acid with similar properties. This amino acid position is well conserved in available vertebrate species. In addition, in silico predictors for this gene do not accurately predict pathogenicity. Since supporting evidence is limited at this time, the clinical significance of this alteration remains unclear.

Color Diagnostics, LLC DBA Color Health
Classification: Uncertain significance for Hereditary cancer-predisposing syndrome. Last evaluated: 2024-03-06. Review status: criteria provided, single submitter. Criteria: ACMG Guidelines, 2015. Collection method: clinical testing. Allele origin: germline.
Comment: This missense variant replaces threonine with isoleucine at codon 1208 of the APC protein. Computational prediction suggests that this variant may not impact protein structure and function (internally defined REVEL score threshold <= 0.5, PMID: 27666373). To our knowledge, functional studies have not been reported for this variant. This variant has not been reported in individuals affected with APC-related disorders in the literature. This variant has been identified in 1/250646 chromosomes in the general population by the Genome Aggregation Database (gnomAD). The available evidence is insufficient to determine the role of this variant in disease conclusively. Therefore, this variant is classified as a Variant of Uncertain Significance.

All of Us Research Program, National Institutes of Health
Classification: Uncertain significance for Classic or attenuated familial adenomatous polyposis. Last evaluated: 2024-01-11. Review status: criteria provided, single submitter. Criteria: ACMG Guidelines, 2015. Collection method: clinical testing. Allele origin: germline. Inheritance: Autosomal dominant inheritance. Observed: 1 variant allele, 1 heterozygote.
Comment: This missense variant replaces threonine with isoleucine at codon 1208 of the APC protein. Computational prediction suggests that this variant may not impact protein structure and function (internally defined REVEL score threshold <= 0.5, PMID: 27666373). Splice site prediction tools suggest that this variant may not impact RNA splicing. To our knowledge, functional studies have not been performed for this variant. This variant has not been reported in individuals affected with hereditary cancer in the literature. This variant has been identified in 1/250646 chromosomes in the general population by the Genome Aggregation Database (gnomAD). The available evidence is insufficient to determine the role of this variant in disease conclusively. Therefore, this variant is classified as a Variant of Uncertain Significance.

This study involves interpretation of variants in research participants for the purpose of population health screening. Participant phenotype was not available at the time of variant classification. Additional details can be found in publication PMID: 35346344, PMCID: PMC8962531

Baylor Genetics
Classification: Uncertain significance for Familial adenomatous polyposis 1. Last evaluated: 2023-06-27. Review status: criteria provided, single submitter. Criteria: ACMG Guidelines, 2015. Collection method: clinical testing. Allele origin: unknown.

Quest Diagnostics Nichols Institute San Juan Capistrano
Classification: Uncertain significance. Last evaluated: 2017-05-06. Review status: criteria provided, single submitter. Criteria: Quest Diagnostics criteria. Collection method: clinical testing. Allele origin: germline.